The following is an entry in ClinVar:

NM_000282.4(PCCA):c.1196G>A (p.Arg399Gln)

Gene: PCCA (propionyl-CoA carboxylase subunit alpha; plus strand). Cytogenetic location: 13q32.3.
Variant type: single nucleotide variant.
Coding change: c.1196G>A on transcript NM_000282.4 (MANE Select); coding-DNA position 1196, G replaced by A.
Protein change: p.Arg399Gln; replaces arginine 399 with glutamine.
Molecular consequence: missense variant. On other transcripts: non-coding transcript variant (5), intron variant (3).
Genome position (GRCh38, 1-based): chr13:100,301,590, G>A. VCF-style: chr13-100301590-G-A. GRCh37 (hg19) VCF-style: chr13-100953844-G-A.
Other names: c.1118G>A, p.Arg373Gln (NM_001127692.3, NM_001352607.2); c.1196G>A, p.Arg399Gln (NM_001178004.2, NM_001352605.2, NM_001352609.2); c.251G>A, p.Arg84Gln (NM_001352610.2, NM_001352611.2); c.1066-1334G>A (NM_001352606.2); c.121-1334G>A (NM_001352612.2); c.988-1334G>A (NM_001352608.2); short protein forms R84Q, R399Q, R373Q.
Identifiers: ClinVar variation 1472931 (VCV001472931.12), dbSNP rs1301904623, ClinGen allele CA388695372.

ClinVar aggregate classification (germline): Pathogenic/Likely pathogenic. Review status: criteria provided, multiple submitters, no conflicts (2 of 4 stars). 2 submissions from 2 submitters: Pathogenic (1); Likely pathogenic (1). Last evaluated 2024-10-05.

Conditions:
Propionic acidemia (PROP). Also called: GLYCINEMIA, KETOTIC; HYPERGLYCINEMIA WITH KETOACIDOSIS AND LEUKOPENIA; KETOTIC HYPERGLYCINEMIA. Identifiers: Orphanet 35, MedGen C0268579, MONDO:0011628, OMIM 606054, HP:0003571.

Allele frequency attached by ClinVar (database versions not stated): gnomAD 0.00001; gnomAD exomes 0.00001; TOPMed 0.00001.
gnomAD v4.1: 9 of 1,613,892 alleles (0.00056%); highest among the groups gnomAD compares: East Asian, 0.0089%; no homozygotes.

Submissions (3):

Labcorp Genetics (formerly Invitae), Labcorp
Classification: Pathogenic for Propionic acidemia. Last evaluated: 2024-10-05. Review status: criteria provided, single submitter. Criteria: Invitae Variant Classification Sherloc (09022015). Collection method: clinical testing. Allele origin: germline.
Comment: This sequence change replaces arginine, which is basic and polar, with glutamine, which is neutral and polar, at codon 399 of the PCCA protein (p.Arg399Gln). This variant is present in population databases (no rsID available, gnomAD 0.003%). This missense change has been observed in individual(s) with propionic acidemia (PMID: 2037281, 15059621). This variant is also known as p.R374Q. ClinVar contains an entry for this variant (Variation ID: 1472931). Invitae Evidence Modeling of protein sequence and biophysical properties (such as structural, functional, and spatial information, amino acid conservation, physicochemical variation, residue mobility, and thermodynamic stability) indicates that this missense variant is expected to disrupt PCCA protein function with a positive predictive value of 80%. This variant disrupts the p.Arg399 amino acid residue in PCCA. Other variant(s) that disrupt this residue have been determined to be pathogenic (PMID: 30274917; internal data). This suggests that this residue is clinically significant, and that variants that disrupt this residue are likely to be disease-causing. For these reasons, this variant has been classified as Pathogenic.

Fulgent Genetics
Classification: Likely pathogenic for Propionic acidemia. Last evaluated: 2023-12-27. Review status: criteria provided, single submitter. Criteria: ACMG Guidelines, 2015. Collection method: clinical testing. Allele origin: germline.

Dr. Peter K. Rogan Lab, Western University
No classification provided (evidence only). Condition: Gastric cancer. Review status: no classification provided. Collection method: in vitro. Allele origin: not applicable. Functional consequence: retained intron. Not counted in ClinVar's aggregate classification.

Literature cited by the submitters: PubMed 2037281 (cited by Labcorp Genetics (formerly Invitae), Labcorp); PubMed 15059621 (cited by Labcorp Genetics (formerly Invitae), Labcorp); PubMed 30274917 (cited by Labcorp Genetics (formerly Invitae), Labcorp).